The following is an entry in ClinVar:

ClinVar aggregate classification (germline): Uncertain significance (1 of 4 stars; one submission).

Conditions:
Aortic aneurysm, familial thoracic 4 (AAT4). Also called: AORTIC ANEURYSM/AORTIC DISSECTION AND PATENT DUCTUS ARTERIOSUS. Identifiers: MedGen C1851504, MONDO:0007568, OMIM 132900.

Submission:

Labcorp Genetics (formerly Invitae), Labcorp
Classification: Uncertain significance for Aortic aneurysm, familial thoracic 4. Last evaluated: 2024-04-22. Review status: criteria provided, single submitter. Criteria: Invitae Variant Classification Sherloc (09022015). Collection method: clinical testing. Allele origin: germline.
Comment: This sequence change replaces phenylalanine, which is neutral and non-polar, with isoleucine, which is neutral and non-polar, at codon 399 of the MYH11 protein (p.Phe399Ile). This variant is not present in population databases (gnomAD no frequency). This variant has not been reported in the literature in individuals affected with MYH11-related conditions. Advanced modeling of protein sequence and biophysical properties (such as structural, functional, and spatial information, amino acid conservation, physicochemical variation, residue mobility, and thermodynamic stability) performed at Invitae indicates that this missense variant is not expected to disrupt MYH11 protein function with a negative predictive value of 95%. In summary, the available evidence is currently insufficient to determine the role of this variant in disease. Therefore, it has been classified as a Variant of Uncertain Significance.

NM_002474.3(MYH11):c.1174T>A (p.Phe392Ile)

Gene: MYH11 (myosin heavy chain 11; minus strand). Cytogenetic location: 16p13.11.
Variant type: single nucleotide variant.
Coding change: c.1174T>A on transcript NM_002474.3 (MANE Select); coding-DNA position 1174, T replaced by A.
Protein change: p.Phe392Ile; replaces phenylalanine 392 with isoleucine.
Molecular consequence: missense variant.
Genome position (GRCh38, 1-based): chr16:15,760,614, A>T on the plus strand (T>A on the coding strand, the complement: MYH11 is on the minus strand). VCF-style: chr16-15760614-A-T. GRCh37 (hg19) VCF-style: chr16-15854471-A-T.
Other names: c.1195T>A, p.Phe399Ile (NM_001040113.2, NM_001040114.2); c.1174T>A, p.Phe392Ile (NM_022844.3); short protein forms F392I, F399I.
Identifiers: ClinVar variation 3649598 (VCV003649598.2).
Genomic context (GRCh38, chr16:15,760,614, plus strand): 5'-GAGCTTTCTGTACCACATCTCGCCCAACCTTGATACGAGGAGTGAGGATGGATCTGGTGA[A>T]ATCTGTCACATTAATTCCCATGAGGTGGCAAACTTTCTGAGCAGCTGGATGGAGAAAAGA-3'
Protein context (NP_002465.1, residues 382-402): CHLMGINVTD[Phe392Ile]TRSILTPRIK